The following is an entry in ClinVar:

ClinVar aggregate classification (germline): Uncertain significance. Review status: criteria provided, multiple submitters, no conflicts (2 of 4 stars). 2 submissions from 2 submitters: Uncertain significance (2). Last evaluated 2024-02-12.

Conditions:
Thrombophilia due to protein S deficiency, autosomal dominant (THPH5). Identifiers: Orphanet 26349, Orphanet 743, MedGen C3278211, MONDO:0012868, OMIM 612336. Disease mechanism: loss of function.
Thrombophilia due to protein S deficiency, autosomal recessive (THPH6). Identifiers: Orphanet 743, MedGen C3281092, MONDO:0013791, OMIM 614514. Disease mechanism: loss of function.

Allele frequency attached by ClinVar (database versions not stated): gnomAD exomes below 0.00001 and 0.00003; ExAC 0.00001; TOPMed 0.00001; ESP Exome Variant Server 0.00008.
gnomAD v4.1: 48 of 1,612,058 alleles (0.003%); highest among the groups gnomAD compares: Non-Finnish European, 0.0039%; no homozygotes.

Submissions (2):

Labcorp Genetics (formerly Invitae), Labcorp
Classification: Uncertain significance for Thrombophilia due to protein S deficiency, autosomal recessive. Last evaluated: 2024-02-12. Review status: criteria provided, single submitter. Criteria: Invitae Variant Classification Sherloc (09022015). Collection method: clinical testing. Allele origin: germline.
Comment: This sequence change affects codon 78 of the PROS1 mRNA. It is a 'silent' change, meaning that it does not change the encoded amino acid sequence of the PROS1 protein. This variant also falls at the last nucleotide of exon 2, which is part of the consensus splice site for this exon. This variant is present in population databases (rs145399944, gnomAD 0.0009%). This variant has not been reported in the literature in individuals affected with PROS1-related conditions. ClinVar contains an entry for this variant (Variation ID: 346892). Variants that disrupt the consensus splice site are a relatively common cause of aberrant splicing (PMID: 17576681, 9536098). Algorithms developed to predict the effect of sequence changes on RNA splicing suggest that this variant is not likely to affect RNA splicing. In summary, the available evidence is currently insufficient to determine the role of this variant in disease. Therefore, it has been classified as a Variant of Uncertain Significance.

Illumina Laboratory Services, Illumina
Classification: Uncertain significance for Thrombophilia due to protein S deficiency, autosomal dominant. Last evaluated: 2018-01-13. Review status: criteria provided, single submitter. Criteria: ICSL Variant Classification Criteria 13 December 2019. Collection method: clinical testing. Allele origin: germline.

Literature cited by the submitters: PubMed 17576681 (cited by Labcorp Genetics (formerly Invitae), Labcorp); PubMed 9536098 (cited by Labcorp Genetics (formerly Invitae), Labcorp).

NM_000313.4(PROS1):c.234G>A (p.Thr78=)

Gene: PROS1 (protein S; minus strand). Cytogenetic location: 3q11.1.
Variant type: single nucleotide variant.
Coding change: c.234G>A on transcript NM_000313.4 (MANE Select); coding-DNA position 234, G replaced by A.
Protein change: p.Thr78=; no amino-acid change (threonine 78 retained).
Molecular consequence: synonymous variant.
Genome position (GRCh38, 1-based): chr3:93,927,250, C>T on the plus strand (G>A on the coding strand, the complement: PROS1 is on the minus strand). VCF-style: chr3-93927250-C-T. GRCh37 (hg19) VCF-style: chr3-93646094-C-T.
Other names: c.330G>A, p.Thr110= (NM_001314077.2).
Identifiers: ClinVar variation 346892 (VCV000346892.7), dbSNP rs145399944, ClinGen allele CA2503570.
Genomic context (GRCh38, chr3:93,927,250, plus strand): 5'-TGTTCAGTCTGTAGTTGTATGTCTAGATGTGTGAACTTGATAGTTTCCATAAATGCTTAC[C>T]GTTTCCGGGTCATTTTCAAAGACCTCCCTGGCTTCTTCTTTATTGCACAGTTCTTCGATG-3'
Protein context (NP_000304.2, residues 68-88): AREVFENDPE[Thr78=]DYFYPKYLVC